The following is an entry in ClinVar:

NM_001035.3(RYR2):c.6817G>A (p.Gly2273Arg)

Gene: RYR2 (ryanodine receptor 2; plus strand). Cytogenetic location: 1q43.
Variant type: single nucleotide variant.
Coding change: c.6817G>A on transcript NM_001035.3 (MANE Select); coding-DNA position 6817, G replaced by A.
Protein change: p.Gly2273Arg; replaces glycine 2273 with arginine.
Molecular consequence: missense variant.
Genome position (GRCh38, 1-based): chr1:237,638,381, G>A. VCF-style: chr1-237638381-G-A. GRCh37 (hg19) VCF-style: chr1-237801681-G-A.
Other names: short protein forms G2273R.
Identifiers: ClinVar variation 1021595 (VCV001021595.14), dbSNP rs1681095773, ClinGen allele CA345395465.
Genomic context (GRCh38, chr1:237,638,381, plus strand): 5'-CAAGGGATAACTCTTTGTTAATCATGTTGTTTGCAGGTAGTTCGTTATTTGGCTGGTTGT[G>A]GACTGCAAAGTTGCCAGATGCTGGTGTCTAAGGGCTATCCAGACATTGGGTGGAACCCAG-3'
Protein context (NP_001026.2, residues 2263-2283): EKVVRYLAGC[Gly2273Arg]LQSCQMLVSK

ClinVar aggregate classification (germline): Uncertain significance. Review status: criteria provided, multiple submitters, no conflicts (2 of 4 stars). 3 submissions from 3 submitters: Uncertain significance (3). Last evaluated 2020-04-29.

Conditions:
Ventricular arrhythmias due to cardiac ryanodine receptor calcium release deficiency syndrome. Also called: Autosomal dominant cardiac arrhythmia (Kuhn). Identifiers: MedGen C5542154, MONDO:0020745, OMIM 115000.
Catecholaminergic polymorphic ventricular tachycardia 1. Also called: RYR2-Related Catecholaminergic Polymorphic Ventricular Tachycardia; VENTRICULAR TACHYCARDIA, CATECHOLAMINERGIC POLYMORPHIC, 1, WITH OR WITHOUT ATRIAL DYSFUNCTION AND/OR DILATED CARDIOMYOPATHY; VENTRICULAR TACHYCARDIA, STRESS-INDUCED POLYMORPHIC 1. Identifiers: Orphanet 3286, MedGen C1631597, MONDO:0011484, OMIM 604772.

Submissions (3):

Labcorp Genetics (formerly Invitae), Labcorp
Classification: Uncertain significance for Catecholaminergic polymorphic ventricular tachycardia 1. Last evaluated: 2020-04-29. Review status: criteria provided, single submitter. Criteria: Invitae Variant Classification Sherloc (09022015). Collection method: clinical testing. Allele origin: germline.
Comment: In summary, the available evidence is currently insufficient to determine the role of this variant in disease. Therefore, it has been classified as a Variant of Uncertain Significance. Algorithms developed to predict the effect of sequence changes on RNA splicing suggest that this variant may create or strengthen a splice site, but this prediction has not been confirmed by published transcriptional studies. Algorithms developed to predict the effect of missense changes on protein structure and function (SIFT, PolyPhen-2, Align-GVGD) all suggest that this variant is likely to be disruptive, but these predictions have not been confirmed by published functional studies and their clinical significance is uncertain. This variant has not been reported in the literature in individuals with RYR2-related conditions. This variant is not present in population databases (ExAC no frequency). This sequence change replaces glycine with arginine at codon 2273 of the RYR2 protein (p.Gly2273Arg). The glycine residue is highly conserved and there is a moderate physicochemical difference between glycine and arginine.

GeneDx
Classification: Uncertain significance. Last evaluated: 2019-05-15. Review status: criteria provided, single submitter. Criteria: GeneDx Variant Classification Process June 2021. Collection method: clinical testing. Allele origin: germline. Affected: yes.
Comment: Has not been previously published as pathogenic or benign to our knowledge; Not observed in large population cohorts (Lek et al., 2016); In silico analysis, which includes protein predictors and evolutionary conservation, supports a deleterious effect; Is located in one of the three hot-spot regions of the RYR2 gene, where the majority of pathogenic missense variants occur (Medeiros-Domingo et al., 2009)

Center for Genomics, Ann and Robert H. Lurie Children's Hospital of Chicago
Classification: Uncertain significance for Catecholaminergic polymorphic ventricular tachycardia 1; Ventricular arrhythmias due to cardiac ryanodine receptor calcium release deficiency syndrome. Review status: criteria provided, single submitter. Criteria: ACMG Guidelines, 2015. Collection method: clinical testing. Allele origin: germline.
Comment: RYR2 NM_001035.2 exon 45 p.Gly2273Arg (c.6817G>A): This variant has not been reported in the literature and is not present in large control databases. Evolutionary conservation and computational predictive tools suggest that this variant may impact the protein. Splice prediction tools suggest that this variant may affect splicing through creation of a new acceptor site. However, further studies are needed to understand its impact. Of note, this variant is located in one of the three "hot spot" domains of the RYR2 gene, where the majority of disease-associated variants have been observed to cluster (Medieros-Domingo 2009 PMID:19926015). In summary, data on this variant is insufficient for disease classification. Therefore, the clinical significance of this variant is uncertain.